The following is an entry in ClinVar:

ClinVar aggregate classification (germline): Uncertain significance. Review status: criteria provided, multiple submitters, no conflicts (2 of 4 stars). 4 submissions from 4 submitters: Uncertain significance (4). Last evaluated 2025-10-29.

Conditions:
Cardiovascular phenotype. Identifiers: MedGen CN230736.
Hereditary cancer-predisposing syndrome. Also called: Neoplastic Syndromes, Hereditary; Hereditary Cancer Syndrome; Tumor predisposition; Hereditary neoplastic syndrome. Identifiers: Orphanet 140162, MedGen C0027672, MeSH D009386, MONDO:0015356.
Neurofibromatosis, type 1 (NF1). Also called: Neurofibromatosis, type I; NEUROFIBROMATOSIS, TYPE I, SOMATIC; Peripheral type neurofibromatosis; VON RECKLINGHAUSEN DISEASE. Identifiers: Orphanet 636, MedGen C0027831, MONDO:0018975, OMIM 162200. Disease mechanism: loss of function.

Allele frequency attached by ClinVar (database versions not stated): gnomAD 0.00001.
gnomAD v4.1: 1 of 1,611,540 alleles (0.000062%); highest among the groups gnomAD compares: Non-Finnish European, 0.000085%; no homozygotes.

Submissions (4):

Labcorp Genetics (formerly Invitae), Labcorp
Classification: Uncertain significance for Neurofibromatosis, type 1. Last evaluated: 2025-10-29. Review status: criteria provided, single submitter. Criteria: Invitae Variant Classification Sherloc (09022015). Collection method: clinical testing. Allele origin: germline.
Comment: This sequence change replaces threonine, which is neutral and polar, with isoleucine, which is neutral and non-polar, at codon 956 of the NF1 protein (p.Thr956Ile). The frequency data for this variant in the population databases is considered unreliable, as metrics indicate poor data quality at this position in the gnomAD database. This variant has not been reported in the literature in individuals affected with NF1-related conditions. ClinVar contains an entry for this variant (Variation ID: 648324). Invitae Evidence Modeling of protein sequence and biophysical properties (such as structural, functional, and spatial information, amino acid conservation, physicochemical variation, residue mobility, and thermodynamic stability) indicates that this missense variant is not expected to disrupt NF1 protein function with a negative predictive value of 95%. In summary, the available evidence is currently insufficient to determine the role of this variant in disease. Therefore, it has been classified as a Variant of Uncertain Significance.

Ambry Genetics
Classification: Uncertain significance for Cardiovascular phenotype; Hereditary cancer-predisposing syndrome. Last evaluated: 2024-11-02. Review status: criteria provided, single submitter. Criteria: Ambry Variant Classification Scheme 2023. Collection method: clinical testing. Allele origin: germline.
Comment: The p.T956I variant (also known as c.2867C>T), located in coding exon 22 of the NF1 gene, results from a C to T substitution at nucleotide position 2867. The threonine at codon 956 is replaced by isoleucine, an amino acid with similar properties. This amino acid position is well conserved in available vertebrate species. In addition, this alteration is predicted to be tolerated by in silico analysis. Since supporting evidence is limited at this time, the clinical significance of this alteration remains unclear.

Genome-Nilou Lab
Classification: Uncertain significance for Neurofibromatosis, type 1. Last evaluated: 2022-03-15. Review status: criteria provided, single submitter. Criteria: ACMG Guidelines, 2015. Collection method: clinical testing. Allele origin: germline. Affected: no.

Blueprint Genetics
Classification: Uncertain significance. Last evaluated: 2022-01-18. Review status: criteria provided, single submitter. Criteria: ACMG Guidelines, 2015. Collection method: clinical testing. Allele origin: germline.

NM_001042492.3(NF1):c.2867C>T (p.Thr956Ile)

Gene: NF1 (neurofibromin 1; plus strand). Cytogenetic location: 17q11.2.
Variant type: single nucleotide variant.
Coding change: c.2867C>T on transcript NM_001042492.3 (MANE Select); coding-DNA position 2867, C replaced by T.
Protein change: p.Thr956Ile; replaces threonine 956 with isoleucine.
Molecular consequence: missense variant.
Genome position (GRCh38, 1-based): chr17:31,229,851, C>T. VCF-style: chr17-31229851-C-T. GRCh37 (hg19) VCF-style: chr17-29556869-C-T.
Other names: c.2867C>T, p.Thr956Ile (NM_000267.4); short protein forms T956I.
Identifiers: ClinVar variation 648324 (VCV000648324.13), dbSNP rs1323973848, ClinGen allele CA398986012.